The following is an entry in ClinVar:

ClinVar aggregate classification (germline): Pathogenic (1 of 4 stars; one submission).

Conditions:
Multiple congenital exostosis (EXT). Also called: Hereditary multiple osteochondromas; Hereditary multiple exostoses; Hereditary multiple exostosis; Multiple osteochondromas; MULTIPLE CARTILAGINOUS EXOSTOSES; Multiple exostoses. Identifiers: Orphanet 321, MedGen C0015306, MONDO:0005508, HP:0002762.

Submission:

Labcorp Genetics (formerly Invitae), Labcorp
Classification: Pathogenic for Multiple congenital exostosis. Last evaluated: 2021-10-11. Review status: criteria provided, single submitter. Criteria: Invitae Variant Classification Sherloc (09022015). Collection method: clinical testing. Allele origin: germline.
Comment: This sequence change creates a premature translational stop signal (p.Glu125Argfs*11) in the EXT1 gene. It is expected to result in an absent or disrupted protein product. Loss-of-function variants in EXT1 are known to be pathogenic (PMID: 10679937, 11391482, 19810120). This variant is not present in population databases (ExAC no frequency). This variant has not been reported in the literature in individuals affected with EXT1-related conditions. For these reasons, this variant has been classified as Pathogenic.

Literature cited by the submitters: PubMed 10679937; PubMed 11391482; PubMed 19810120.

NM_000127.3(EXT1):c.373del (p.Glu125fs)

Gene: EXT1 (exostosin glycosyltransferase 1; minus strand). Cytogenetic location: 8q24.11.
Variant type: Deletion.
Coding change: c.373del on transcript NM_000127.3 (MANE Select); coding-DNA position 373, one base deleted (G; older notation c.373delG).
Protein change: p.Glu125fs; shifts the reading frame from glutamic acid 125.
Molecular consequence: frameshift variant.
Genome position (GRCh38, 1-based): chr8:118,110,674, C deleted on the plus strand (G on the coding strand, the reverse complement: EXT1 is on the minus strand); the first of 4 consecutive C bases (chr8:118,110,674-118,110,677); deleting any one gives the same sequence. VCF-style (leftmost placement, unchanged base first): chr8-118110673-TC-T. GRCh37 (hg19) VCF-style: chr8-119122912-TC-T.
Other names: short protein forms E125fs.
Identifiers: ClinVar variation 2720247 (VCV002720247.3), dbSNP rs2130043834, ClinGen allele CA2697550122.